The following is an entry in ClinVar:

NM_139315.3(TAF6):c.1117C>T (p.Arg373Cys)

Genes: AP4M1 (adaptor related protein complex 4 subunit mu 1; plus strand), TAF6 (TATA-box binding protein associated factor 6; minus strand). Cytogenetic location: 7q22.1.
Variant type: single nucleotide variant.
Coding change: c.1117C>T on transcript NM_139315.3 (MANE Select); coding-DNA position 1117, C replaced by T.
Protein change: p.Arg373Cys; replaces arginine 373 with cysteine.
Molecular consequence: missense variant. On other transcripts: non-coding transcript variant (1).
Genome position (GRCh38, 1-based): chr7:100,110,241, G>A on the plus strand (C>T on the coding strand, the complement: TAF6 is on the minus strand). VCF-style: chr7-100110241-G-A. GRCh37 (hg19) VCF-style: chr7-99707864-G-A.
Other names: c.1228C>T, p.Arg410Cys (NM_001190415.2); c.1117C>T, p.Arg373Cys (NM_001364998.1, NM_001364999.1, NM_005641.4); c.1087C>T, p.Arg363Cys (NM_001365000.1, NM_001365001.1, NM_001365002.1 and 1 more transcripts); c.1255C>T, p.Arg419Cys (NM_001365004.1); short protein forms R363C, R410C, R373C, R419C.
Identifiers: ClinVar variation 4767537 (VCV004767537.1).
Genomic context (GRCh38, chr7:100,110,241, plus strand): 5'-TTCCTCCCAGAGGCCTAACATCGTGTCCCAGCTCAGCCAAGCCTGCGATGGAGCCATAAC[G>A]AGTCGTCCAGGGCGTCTTCTCGTCCACCCAGCTCTGTAAGGGGAAGGAAATAAACTAAGA-3'
Protein context (NP_647476.1, residues 363-383): WVDEKTPWTT[Arg373Cys]YGSIAGLAEL

ClinVar aggregate classification (germline): Uncertain significance (1 of 4 stars; one submission).

gnomAD v4.1: 22 of 1,614,096 alleles (0.0014%); highest among the groups gnomAD compares: South Asian, 0.018%; 1 homozygote.

Submission:

Labcorp Genetics (formerly Invitae), Labcorp
Classification: Uncertain significance. Last evaluated: 2025-09-16. Review status: criteria provided, single submitter. Criteria: Invitae Variant Classification Sherloc (09022015). Collection method: clinical testing. Allele origin: germline.
Comment: This sequence change replaces arginine, which is basic and polar, with cysteine, which is neutral and slightly polar, at codon 373 of the TAF6 protein (p.Arg373Cys). This variant is present in population databases (rs558881534, gnomAD 0.03%). This variant has not been reported in the literature in individuals affected with TAF6-related conditions. Invitae Evidence Modeling of protein sequence and biophysical properties (such as structural, functional, and spatial information, amino acid conservation, physicochemical variation, residue mobility, and thermodynamic stability) indicates that this missense variant is not expected to disrupt TAF6 protein function with a negative predictive value of 80%. In summary, the available evidence is currently insufficient to determine the role of this variant in disease. Therefore, it has been classified as a Variant of Uncertain Significance.